The following is an entry in ClinVar:

ClinVar aggregate classification (germline): Conflicting classifications of pathogenicity. Review status: criteria provided, conflicting classifications (1 of 4 stars). 2 submissions from 2 submitters: Uncertain significance (1); Likely benign (1). Last evaluated 2026-06-30.

Conditions:
Inborn genetic diseases. Identifiers: MedGen C0950123, MeSH D030342.
MED12L-related disorder. Also called: MED12L-related condition.

gnomAD v4.1: 29 of 1,612,066 alleles (0.0018%); highest among the groups gnomAD compares: African/African-American, 0.029%; no homozygotes.

Submissions (2):

PreventionGenetics, part of Exact Sciences
Classification: Likely benign for MED12L-related condition. Last evaluated: 2026-06-30. Review status: criteria provided, single submitter. Criteria: ACMG Guidelines, 2015. Collection method: clinical testing. Allele origin: germline.
Comment: This variant is classified as likely benign based on ACMG/AMP sequence variant interpretation guidelines (Richards et al. 2015 PMID: 25741868, with internal and published modifications).

Ambry Genetics
Classification: Uncertain significance for Inborn genetic diseases. Last evaluated: 2024-10-07. Review status: criteria provided, single submitter. Criteria: Ambry Variant Classification Scheme 2023. Collection method: clinical testing. Allele origin: germline.

NM_001393769.1(MED12L):c.2086A>G (p.Met696Val)

Gene: MED12L (mediator complex subunit 12L; plus strand). Cytogenetic location: 3q25.1.
Variant type: single nucleotide variant.
Coding change: c.2086A>G on transcript NM_001393769.1 (MANE Select); coding-DNA position 2086, A replaced by G.
Protein change: p.Met696Val; replaces methionine 696 with valine.
Molecular consequence: missense variant.
Genome position (GRCh38, 1-based): chr3:151,193,502, A>G. VCF-style: chr3-151193502-A-G. GRCh37 (hg19) VCF-style: chr3-150911289-A-G.
Other names: c.1981A>G (NM_053002.5); c.1981A>G, p.Met661Val (NM_053002.6); short protein forms M661V, M696V.
Identifiers: ClinVar variation 3394516 (VCV003394516.2).